The following is an entry in ClinVar:

NM_198179.3(QRFPR):c.887T>C (p.Ile296Thr)

Gene: QRFPR (pyroglutamylated RFamide peptide receptor; minus strand). Cytogenetic location: 4q27.
Variant type: single nucleotide variant.
Coding change: c.887T>C on transcript NM_198179.3 (MANE Select); coding-DNA position 887, T replaced by C.
Protein change: p.Ile296Thr; replaces isoleucine 296 with threonine.
Molecular consequence: missense variant.
Genome position (GRCh38, 1-based): chr4:121,330,434, A>G on the plus strand (T>C on the coding strand, the complement: QRFPR is on the minus strand). VCF-style: chr4-121330434-A-G. GRCh37 (hg19) VCF-style: chr4-122251589-A-G.
Other names: c.887T>C (NM_198179.2); short protein forms I296T.
Identifiers: ClinVar variation 2173212 (VCV002173212.2), dbSNP rs529884128, ClinGen allele CA3062444.

ClinVar aggregate classification (germline): Uncertain significance. Review status: criteria provided, multiple submitters, no conflicts (2 of 4 stars). 2 submissions from 2 submitters: Uncertain significance (2). Last evaluated 2024-08-20.

Allele frequency attached by ClinVar (database versions not stated): ExAC 0.00001; gnomAD exomes 0.00003; TOPMed 0.00003; gnomAD 0.00004; 1000 Genomes Project 0.00020; 1000 Genomes Project 30x 0.00031.

Submissions (2):

Ambry Genetics
Classification: Uncertain significance. Last evaluated: 2024-08-20. Review status: criteria provided, single submitter. Criteria: Ambry Variant Classification Scheme 2023. Collection method: clinical testing. Allele origin: germline.

Labcorp Genetics (formerly Invitae), Labcorp
Classification: Uncertain significance. Last evaluated: 2022-09-30. Review status: criteria provided, single submitter. Criteria: Invitae Variant Classification Sherloc (09022015). Collection method: clinical testing. Allele origin: germline.
Comment: This sequence change replaces isoleucine, which is neutral and non-polar, with threonine, which is neutral and polar, at codon 296 of the QRFPR protein (p.Ile296Thr). This variant is present in population databases (rs529884128, gnomAD 0.009%). This variant has not been reported in the literature in individuals affected with QRFPR-related conditions. Algorithms developed to predict the effect of missense changes on protein structure and function output the following: SIFT: "Tolerated"; PolyPhen-2: "Benign"; Align-GVGD: "Class C0". The threonine amino acid residue is found in multiple mammalian species, which suggests that this missense change does not adversely affect protein function. In summary, the available evidence is currently insufficient to determine the role of this variant in disease. Therefore, it has been classified as a Variant of Uncertain Significance.